The following is an entry in ClinVar:

NM_006080.3(SEMA3A):c.925C>A (p.Gln309Lys)

Gene: SEMA3A (semaphorin 3A; minus strand). Cytogenetic location: 7q21.11.
Variant type: single nucleotide variant.
Coding change: c.925C>A on transcript NM_006080.3 (MANE Select); coding-DNA position 925, C replaced by A.
Protein change: p.Gln309Lys; replaces glutamine 309 with lysine.
Molecular consequence: missense variant.
Genome position (GRCh38, 1-based): chr7:84,011,183, G>T on the plus strand (C>A on the coding strand, the complement: SEMA3A is on the minus strand). VCF-style: chr7-84011183-G-T. GRCh37 (hg19) VCF-style: chr7-83640499-G-T.
Other names: short protein forms Q309K.
Identifiers: ClinVar variation 4989802 (VCV004989802.1).

ClinVar aggregate classification (germline): Uncertain significance (1 of 4 stars; one submission).

Conditions:
SEMA3A-related disorder. Also called: SEMA3A-related condition.

gnomAD v4.1: 1 of 1,609,834 alleles (0.000062%); highest among the groups gnomAD compares: Admixed American, 0.0017%; no homozygotes.

Submission:

PreventionGenetics, part of Exact Sciences
Classification: Uncertain significance for SEMA3A-related condition. Last evaluated: 2026-05-28. Review status: criteria provided, single submitter. Criteria: ACMG Guidelines, 2015. Collection method: clinical testing. Allele origin: germline.
Comment: The SEMA3A c.925C>A variant is predicted to result in the amino acid substitution p.Gln309Lys. To our knowledge, this variant has not been reported in the literature or in gnomAD, indicating this variant is rare. At this time, the clinical significance of this variant is uncertain due to the absence of conclusive functional and genetic evidence.